The following is an entry in ClinVar:

NM_006231.4(POLE):c.1375T>A (p.Ser459Thr)

Gene: POLE (DNA polymerase epsilon, catalytic subunit; minus strand). Cytogenetic location: 12q24.33.
Variant type: single nucleotide variant.
Coding change: c.1375T>A on transcript NM_006231.4 (MANE Select); coding-DNA position 1375, T replaced by A.
Protein change: p.Ser459Thr; replaces serine 459 with threonine.
Molecular consequence: missense variant.
Genome position (GRCh38, 1-based): chr12:132,673,262, A>T on the plus strand (T>A on the coding strand, the complement: POLE is on the minus strand). VCF-style: chr12-132673262-A-T. GRCh37 (hg19) VCF-style: chr12-133249848-A-T.
Other names: short protein forms S459T.
Identifiers: ClinVar variation 2841039 (VCV002841039.3), dbSNP rs2135996917, ClinGen allele CA387358765.

ClinVar aggregate classification (germline): Uncertain significance (1 of 4 stars; one submission).

Submission:

Labcorp Genetics (formerly Invitae), Labcorp
Classification: Uncertain significance. Last evaluated: 2023-02-26. Review status: criteria provided, single submitter. Criteria: Invitae Variant Classification Sherloc (09022015). Collection method: clinical testing. Allele origin: germline.
Comment: This sequence change replaces serine, which is neutral and polar, with threonine, which is neutral and polar, at codon 459 of the POLE protein (p.Ser459Thr). This variant is not present in population databases (gnomAD no frequency). This variant has not been reported in the literature in individuals affected with POLE-related conditions. Advanced modeling of protein sequence and biophysical properties (such as structural, functional, and spatial information, amino acid conservation, physicochemical variation, residue mobility, and thermodynamic stability) performed at Invitae indicates that this missense variant is expected to disrupt POLE protein function. In summary, the available evidence is currently insufficient to determine the role of this variant in disease. Therefore, it has been classified as a Variant of Uncertain Significance.